The following is an entry in ClinVar:

NM_001519.4(BRF1):c.413T>C (p.Leu138Pro)

Gene: BRF1 (BRF1 general transcription factor IIIB subunit; minus strand). Cytogenetic location: 14q32.33.
Variant type: single nucleotide variant.
Coding change: c.413T>C on transcript NM_001519.4 (MANE Select); coding-DNA position 413, T replaced by C.
Protein change: p.Leu138Pro; replaces leucine 138 with proline.
Molecular consequence: missense variant.
Genome position (GRCh38, 1-based): chr14:105,272,747, A>G on the plus strand (T>C on the coding strand, the complement: BRF1 is on the minus strand). VCF-style: chr14-105272747-A-G. GRCh37 (hg19) VCF-style: chr14-105739084-A-G.
Other names: c.68T>C, p.Leu23Pro (NM_001242786.2, NM_001242787.2); c.332T>C, p.Leu111Pro (NM_001242788.2); c.413T>C, p.Leu138Pro (NM_001242790.2); short protein forms L138P, L23P, L111P.
Identifiers: ClinVar variation 2223661 (VCV002223661.3), dbSNP rs781256116, ClinGen allele CA7388147.

ClinVar aggregate classification (germline): Uncertain significance. Review status: criteria provided, multiple submitters, no conflicts (2 of 4 stars). 2 submissions from 2 submitters: Uncertain significance (2). Last evaluated 2023-06-18.

Conditions:
Inborn genetic diseases. Identifiers: MedGen C0950123, MeSH D030342.

Allele frequency attached by ClinVar (database versions not stated): ExAC 0.00001; gnomAD 0.00001; TOPMed 0.00002.
gnomAD v4.1: 4 of 1,613,172 alleles (0.00025%); highest among the groups gnomAD compares: African/African-American, 0.0013%; no homozygotes.

Submissions (2):

GeneDx
Classification: Uncertain significance. Last evaluated: 2023-06-18. Review status: criteria provided, single submitter. Criteria: GeneDx Variant Classification Process June 2021. Collection method: clinical testing. Allele origin: germline. Affected: yes.
Comment: In silico analysis supports that this missense variant has a deleterious effect on protein structure/function; Has not been previously published as pathogenic or benign to our knowledge

Ambry Genetics
Classification: Uncertain significance for Inborn genetic diseases. Last evaluated: 2021-12-06. Review status: criteria provided, single submitter. Criteria: Ambry Variant Classification Scheme 2023. Collection method: clinical testing. Allele origin: germline.